The following is an entry in ClinVar:

ClinVar aggregate classification (germline): Uncertain significance (1 of 4 stars; one submission).

Allele frequency attached by ClinVar (database versions not stated): gnomAD exomes below 0.00001 and 0.00001; ExAC 0.00001; gnomAD 0.00001; TOPMed 0.00001.
gnomAD v4.1: 12 of 1,611,236 alleles (0.00074%); highest among the groups gnomAD compares: South Asian, 0.0011%; no homozygotes.

Submission:

Labcorp Genetics (formerly Invitae), Labcorp
Classification: Uncertain significance. Last evaluated: 2022-08-16. Review status: criteria provided, single submitter. Criteria: Invitae Variant Classification Sherloc (09022015). Collection method: clinical testing. Allele origin: germline.
Comment: In summary, the available evidence is currently insufficient to determine the role of this variant in disease. Therefore, it has been classified as a Variant of Uncertain Significance. Algorithms developed to predict the effect of missense changes on protein structure and function are either unavailable or do not agree on the potential impact of this missense change (SIFT: "Not Available"; PolyPhen-2: "Probably Damaging"; Align-GVGD: "Not Available"). ClinVar contains an entry for this variant (Variation ID: 1358002). This variant has not been reported in the literature in individuals affected with HGF-related conditions. The frequency data for this variant in the population databases is considered unreliable, as metrics indicate poor data quality at this position in the gnomAD database. This sequence change replaces arginine with glutamine at codon 708 of the HGF protein (p.Arg708Gln). The arginine residue is moderately conserved and there is a small physicochemical difference between arginine and glutamine.

NM_000601.6(HGF):c.2123G>A (p.Arg708Gln)

Gene: HGF (hepatocyte growth factor; minus strand). Cytogenetic location: 7q21.11.
Variant type: single nucleotide variant.
Coding change: c.2123G>A on transcript NM_000601.6 (MANE Select); coding-DNA position 2123, G replaced by A.
Protein change: p.Arg708Gln; replaces arginine 708 with glutamine.
Molecular consequence: missense variant.
Genome position (GRCh38, 1-based): chr7:81,702,645, C>T on the plus strand (G>A on the coding strand, the complement: HGF is on the minus strand). VCF-style: chr7-81702645-C-T. GRCh37 (hg19) VCF-style: chr7-81331961-C-T.
Other names: c.2108G>A, p.Arg703Gln (NM_001010932.3); short protein forms R703Q, R708Q.
Identifiers: ClinVar variation 1358002 (VCV001358002.8), dbSNP rs763072412, ClinGen allele CA4316709.